The following is an entry in ClinVar:

ClinVar aggregate classification (germline): Likely benign. Review status: criteria provided, multiple submitters, no conflicts (2 of 4 stars). 2 submissions from 2 submitters: Likely benign (2). Last evaluated 2026-06-01.

Allele frequency attached by ClinVar (database versions not stated): gnomAD 0.00001; gnomAD exomes 0.00001 and 0.00093; TOPMed 0.00002; ExAC 0.00183; ESP Exome Variant Server 0.00461.
gnomAD v4.1: 24 of 1,591,766 alleles (0.0015%); highest among the groups gnomAD compares: Middle Eastern, 0.02%; no homozygotes.

Submissions (2):

CeGaT Center for Human Genetics Tuebingen
Classification: Likely benign. Last evaluated: 2026-06-01. Review status: criteria provided, single submitter. Criteria: CeGaT Center For Human Genetics Tuebingen Variant Classification Criteria Version 2. Collection method: clinical testing. Allele origin: germline. Affected: yes. Observed: 2 variant alleles.
Comment: HERC2: BP4, BP7

Center for Pediatric Genomic Medicine, Children's Mercy Hospital and Clinics
Classification: Likely benign. Last evaluated: 2017-07-19. Review status: criteria provided, single submitter. Criteria: ACMG Guidelines, 2015. Collection method: clinical testing. Allele origin: germline.

NM_004667.6(HERC2):c.1083C>T (p.His361=)

Gene: HERC2 (HECT and RLD domain containing E3 ubiquitin protein ligase 2; minus strand). Cytogenetic location: 15q13.1.
Variant type: single nucleotide variant.
Coding change: c.1083C>T on transcript NM_004667.6 (MANE Select); coding-DNA position 1083, C replaced by T.
Protein change: p.His361=; no amino-acid change (histidine 361 retained).
Molecular consequence: synonymous variant.
Genome position (GRCh38, 1-based): chr15:28,272,215, G>A on the plus strand (C>T on the coding strand, the complement: HERC2 is on the minus strand). VCF-style: chr15-28272215-G-A. GRCh37 (hg19) VCF-style: chr15-28517361-G-A.
Identifiers: ClinVar variation 445568 (VCV000445568.26), dbSNP rs142059352, ClinGen allele CA267947125.
Genomic context (GRCh38, chr15:28,272,215, plus strand): 5'-GCTTTAAAAGTAACTAGACTCGAGTGCCACCTAAACACAAAGTTCCATCATGACACTCAC[G>A]TGCATGTCGCCCTCGGAGTGGGGTGCATCCTTCCTGCAAATGATGCTCTGGAACCTTTGC-3'
Protein context (NP_004658.3, residues 351-371): KDAPHSEGDM[His361=]LLSGPLSPNE